The following is an entry in ClinVar:

NM_003060.4(SLC22A5):c.418T>C (p.Trp140Arg)

Gene: SLC22A5 (solute carrier family 22 member 5; plus strand). Cytogenetic location: 5q31.1.
Variant type: single nucleotide variant.
Coding change: c.418T>C on transcript NM_003060.4 (MANE Select); coding-DNA position 418, T replaced by C.
Protein change: p.Trp140Arg; replaces tryptophan 140 with arginine.
Molecular consequence: missense variant.
Genome position (GRCh38, 1-based): chr5:132,378,402, T>C. VCF-style: chr5-132378402-T-C. GRCh37 (hg19) VCF-style: chr5-131714094-T-C.
Other names: c.490T>C, p.Trp164Arg (NM_001308122.2); short protein forms W140R, W164R.
Identifiers: ClinVar variation 1512893 (VCV001512893.5), dbSNP rs1554086844, ClinGen allele CA312967.
Genomic context (GRCh38, chr5:132,378,402, plus strand): 5'-GAAGTGAATGATACACCCCCTTTGCTCATCTTGCAGTGGAACCTGGTGTGTGAGGACGAC[T>C]GGAAGGCCCCACTCACAATCTCCTTGTTCTTCGTGGGTGTGCTGTTGGGCTCCTTCATTT-3'
Protein context (NP_003051.1, residues 130-150): TEWNLVCEDD[Trp140Arg]KAPLTISLFF

ClinVar aggregate classification (germline): Uncertain significance (1 of 4 stars; one submission).

Conditions:
Renal carnitine transport defect (CDSP). Also called: Carnitine transporter deficiency; Carnitine Deficiency, Systemic; Primary carnitine deficiency; Systemic primary carnitine deficiency; CARNITINE DEFICIENCY, SYSTEMIC, DUE TO DEFECT IN RENAL REABSORPTION OF CARNITINE; CARNITINE TRANSPORTER, PLASMA-MEMBRANE, DEFICIENCY OF. Identifiers: Orphanet 158, MedGen C0342788, MONDO:0008919, OMIM 212140.

Allele frequency attached by ClinVar (database versions not stated): TOPMed below 0.00001.

Submission:

Labcorp Genetics (formerly Invitae), Labcorp
Classification: Uncertain significance for Renal carnitine transport defect. Last evaluated: 2021-08-28. Review status: criteria provided, single submitter. Criteria: Invitae Variant Classification Sherloc (09022015). Collection method: clinical testing. Allele origin: germline.
Comment: This sequence change replaces tryptophan with arginine at codon 140 of the SLC22A5 protein (p.Trp140Arg). The tryptophan residue is highly conserved and there is a moderate physicochemical difference between tryptophan and arginine. This variant is not present in population databases (ExAC no frequency). This variant has not been reported in the literature in individuals affected with SLC22A5-related conditions. Advanced modeling of protein sequence and biophysical properties (such as structural, functional, and spatial information, amino acid conservation, physicochemical variation, residue mobility, and thermodynamic stability) performed at Invitae indicates that this missense variant is expected to disrupt SLC22A5 protein function. In summary, the available evidence is currently insufficient to determine the role of this variant in disease. Therefore, it has been classified as a Variant of Uncertain Significance.